The following is an entry in ClinVar:

ClinVar aggregate classification (germline): Uncertain significance. Review status: criteria provided, multiple submitters, no conflicts (2 of 4 stars). 2 submissions from 2 submitters: Uncertain significance (2). Last evaluated 2026-01-21.

Conditions:
CRB2-related disorder. Also called: CRB2-related disorders; CRB2-related condition.

gnomAD v4.1: 24 of 1,612,136 alleles (0.0015%); highest among the groups gnomAD compares: Admixed American, 0.0084%; no homozygotes.

Submissions (2):

PreventionGenetics, part of Exact Sciences
Classification: Uncertain significance for CRB2-related condition. Last evaluated: 2026-01-21. Review status: criteria provided, single submitter. Criteria: ACMG Guidelines, 2015. Collection method: clinical testing. Allele origin: germline.
Comment: The CRB2 c.2548G>A variant is predicted to result in the amino acid substitution p.Gly850Ser. To our knowledge, this variant has not been reported in the literature. This variant is reported in 0.0087% of alleles in individuals of Latino descent in gnomAD. At this time, the clinical significance of this variant is uncertain due to the absence of conclusive functional and genetic evidence.

GeneDx
Classification: Uncertain significance. Last evaluated: 2025-07-28. Review status: criteria provided, single submitter. Criteria: GeneDx Variant Classification Process June 2021. Collection method: clinical testing. Allele origin: germline. Affected: yes.
Comment: In silico analysis suggests that this missense variant does not alter protein structure/function; Has not been previously published as pathogenic or benign to our knowledge

NM_173689.7(CRB2):c.2548G>A (p.Gly850Ser)

Gene: CRB2 (crumbs cell polarity complex component 2; plus strand). Cytogenetic location: 9q33.3.
Variant type: single nucleotide variant.
Coding change: c.2548G>A on transcript NM_173689.7 (MANE Select); coding-DNA position 2548, G replaced by A.
Protein change: p.Gly850Ser; replaces glycine 850 with serine.
Molecular consequence: missense variant. On other transcripts: non-coding transcript variant (1).
Genome position (GRCh38, 1-based): chr9:123,372,288, G>A. VCF-style: chr9-123372288-G-A. GRCh37 (hg19) VCF-style: chr9-126134567-G-A.
Other names: short protein forms G850S.
Identifiers: ClinVar variation 4690025 (VCV004690025.2).